The following is an entry in ClinVar:

NM_005876.5(SPEG):c.7112G>T (p.Gly2371Val)

Genes: ASIC4-AS1 (ASIC4 antisense RNA 1; minus strand), SPEG (striated muscle enriched protein kinase; plus strand). Cytogenetic location: 2q35.
Variant type: single nucleotide variant.
Coding change: c.7112G>T on transcript NM_005876.5 (MANE Select); coding-DNA position 7112, G replaced by T.
Protein change: p.Gly2371Val; replaces glycine 2371 with valine.
Molecular consequence: missense variant.
Genome position (GRCh38, 1-based): chr2:219,484,575, G>T. VCF-style: chr2-219484575-G-T. GRCh37 (hg19) VCF-style: chr2-220349297-G-T.
Other names: short protein forms G2371V.
Identifiers: ClinVar variation 1370050 (VCV001370050.6), dbSNP rs2125560473, ClinGen allele CA350700905.

ClinVar aggregate classification (germline): Uncertain significance (1 of 4 stars; one submission).

Submission:

Labcorp Genetics (formerly Invitae), Labcorp
Classification: Uncertain significance. Last evaluated: 2023-10-04. Review status: criteria provided, single submitter. Criteria: Invitae Variant Classification Sherloc (09022015). Collection method: clinical testing. Allele origin: germline.
Comment: This sequence change replaces glycine, which is neutral and non-polar, with valine, which is neutral and non-polar, at codon 2371 of the SPEG protein (p.Gly2371Val). This variant is not present in population databases (gnomAD no frequency). This variant has not been reported in the literature in individuals affected with SPEG-related conditions. ClinVar contains an entry for this variant (Variation ID: 1370050). An algorithm developed to predict the effect of missense changes on protein structure and function (PolyPhen-2) suggests that this variant is likely to be disruptive. In summary, the available evidence is currently insufficient to determine the role of this variant in disease. Therefore, it has been classified as a Variant of Uncertain Significance.